The following is an entry in ClinVar:

NM_001372.4(DNAH9):c.5990T>C (p.Val1997Ala)

Gene: DNAH9 (dynein axonemal heavy chain 9; plus strand). Cytogenetic location: 17p12.
Variant type: single nucleotide variant.
Coding change: c.5990T>C on transcript NM_001372.4 (MANE Select); coding-DNA position 5990, T replaced by C.
Protein change: p.Val1997Ala; replaces valine 1997 with alanine.
Molecular consequence: missense variant.
Genome position (GRCh38, 1-based): chr17:11,742,192, T>C. VCF-style: chr17-11742192-T-C. GRCh37 (hg19) VCF-style: chr17-11645509-T-C.
Other names: short protein forms V1997A.
Identifiers: ClinVar variation 3503755 (VCV003503755.2).
Genomic context (GRCh38, chr17:11,742,192, plus strand): 5'-GTACTTGGGAAACTGACTGGGCCTTCTGTCTTTCTATACTCAGGCCTTGTGCAATGGTGG[T>C]TCCAGACTTTGAATTGATCTGTGAAATCATGCTGGTGGCAGAAGGATTCATTGAAGCCCA-3'
Protein context (NP_001363.2, residues 1987-2007): KSLFRPCAMV[Val1997Ala]PDFELICEIM

ClinVar aggregate classification (germline): Uncertain significance. Review status: criteria provided, multiple submitters, no conflicts (2 of 4 stars). 2 submissions from 2 submitters: Uncertain significance (2). Last evaluated 2025-08-08.

Conditions:
Inborn genetic diseases. Identifiers: MedGen C0950123, MeSH D030342.

gnomAD v4.1: 1 of 1,614,114 alleles (0.000062%); highest among the groups gnomAD compares: Admixed American, 0.0017%; no homozygotes.

Submissions (2):

Labcorp Genetics (formerly Invitae), Labcorp
Classification: Uncertain significance. Last evaluated: 2025-08-08. Review status: criteria provided, single submitter. Criteria: Invitae Variant Classification Sherloc (09022015). Collection method: clinical testing. Allele origin: germline.
Comment: This sequence change replaces valine, which is neutral and non-polar, with alanine, which is neutral and non-polar, at codon 1997 of the DNAH9 protein (p.Val1997Ala). This variant is present in population databases (no rsID available, gnomAD 0.003%). This variant has not been reported in the literature in individuals affected with DNAH9-related conditions. ClinVar contains an entry for this variant (Variation ID: 3503755). An algorithm developed to predict the effect of missense changes on protein structure and function (PolyPhen-2) suggests that this variant is likely to be disruptive. In summary, the available evidence is currently insufficient to determine the role of this variant in disease. Therefore, it has been classified as a Variant of Uncertain Significance.

Ambry Genetics
Classification: Uncertain significance for Inborn genetic diseases. Last evaluated: 2024-08-04. Review status: criteria provided, single submitter. Criteria: Ambry Variant Classification Scheme 2023. Collection method: clinical testing. Allele origin: germline.